The following is an entry in ClinVar:

ClinVar aggregate classification (germline): Benign/Likely benign (0 of 4 stars; one submission).

Submission:

ISCA Site 6
Classification: Benign/Likely benign. Review status: no assertion criteria provided. Collection method: clinical testing. Allele origin: unknown. Affected: yes. Observed: 6 variant alleles. Clinical features observed: Developmental delay AND/OR other significant developmental or morphological phenotypes.
Comment: Likely benign (1), Benign (5)

Copy number variation identified through the course of routine clinical cytogenomic testing in postnatal populations, with clinical assertions as classified by the original submitter. For data from the original published study, Kaminsky, et al. 2011 (PubMed 21844811), please see nstd101.

GRCh37/hg19 20q11.21(chr20:29446093-29647301)x3

Gene: LINC01597 (long intergenic non-protein coding RNA 1597; minus strand). Cytogenetic location: 20q11.21.
Variant type: copy number gain.
Change: copy number 3 (three copies instead of two) of chr20:29,446,093-29,647,301 (201.2 kb, GRCh37 coordinates, 1-based), cytogenetic band 20q11.21.
Identifiers: ClinVar variation 395547 (VCV000395547.3).